The following is an entry in ClinVar:

ClinVar aggregate classification (germline): Uncertain significance (1 of 4 stars; one submission).

Allele frequency attached by ClinVar (database versions not stated): TOPMed below 0.00001.

Submission:

Labcorp Genetics (formerly Invitae), Labcorp
Classification: Uncertain significance. Last evaluated: 2022-07-20. Review status: criteria provided, single submitter. Criteria: Invitae Variant Classification Sherloc (09022015). Collection method: clinical testing. Allele origin: germline.
Comment: This variant has not been reported in the literature in individuals affected with CEP152-related conditions. This variant is not present in population databases (gnomAD no frequency). This sequence change replaces lysine, which is basic and polar, with asparagine, which is neutral and polar, at codon 833 of the CEP152 protein (p.Lys833Asn). In summary, the available evidence is currently insufficient to determine the role of this variant in disease. Therefore, it has been classified as a Variant of Uncertain Significance. Algorithms developed to predict the effect of missense changes on protein structure and function are either unavailable or do not agree on the potential impact of this missense change (SIFT: "Tolerated"; PolyPhen-2: "Possibly Damaging"; Align-GVGD: "Class C0").

NM_001194998.2(CEP152):c.2499G>C (p.Lys833Asn)

Gene: CEP152 (centrosomal protein 152; minus strand). Cytogenetic location: 15q21.1.
Variant type: single nucleotide variant.
Coding change: c.2499G>C on transcript NM_001194998.2 (MANE Select); coding-DNA position 2499, G replaced by C.
Protein change: p.Lys833Asn; replaces lysine 833 with asparagine.
Molecular consequence: missense variant.
Genome position (GRCh38, 1-based): chr15:48,762,454, C>G on the plus strand (G>C on the coding strand, the complement: CEP152 is on the minus strand). VCF-style: chr15-48762454-C-G. GRCh37 (hg19) VCF-style: chr15-49054651-C-G.
Other names: c.2499G>C, p.Lys833Asn (NM_014985.4); short protein forms K833N.
Identifiers: ClinVar variation 1721004 (VCV001721004.5), dbSNP rs897118387, ClinGen allele CA269543627.
Genomic context (GRCh38, chr15:48,762,454, plus strand): 5'-TTTGGTAATATTTTCACAATGTTTGAGTTCCAATTCAATTTCGAGTTTCTTCATAGCCCC[C>G]TTGATGGCTATGTCCTTCTCTTGTTCTAAGTTTTGCTGGATTGTGCACTTCTGCTCTTCT-3'
Protein context (NP_001181927.1, residues 823-843): NLEQEKDIAI[Lys833Asn]GAMKKLEIEL